The following is an entry in ClinVar:

ClinVar aggregate classification (germline): Uncertain significance (1 of 4 stars; one submission).

Submission:

Labcorp Genetics (formerly Invitae), Labcorp
Classification: Uncertain significance. Last evaluated: 2024-04-16. Review status: criteria provided, single submitter. Criteria: Invitae Variant Classification Sherloc (09022015). Collection method: clinical testing. Allele origin: germline.
Comment: This sequence change replaces leucine, which is neutral and non-polar, with arginine, which is basic and polar, at codon 381 of the POLE protein (p.Leu381Arg). This variant is not present in population databases (gnomAD no frequency). This variant has not been reported in the literature in individuals affected with POLE-related conditions. Advanced modeling of protein sequence and biophysical properties (such as structural, functional, and spatial information, amino acid conservation, physicochemical variation, residue mobility, and thermodynamic stability) performed at Invitae indicates that this missense variant is expected to disrupt POLE protein function with a positive predictive value of 80%. In summary, the available evidence is currently insufficient to determine the role of this variant in disease. Therefore, it has been classified as a Variant of Uncertain Significance.

NM_006231.4(POLE):c.1142T>G (p.Leu381Arg)

Gene: POLE (DNA polymerase epsilon, catalytic subunit; minus strand). Cytogenetic location: 12q24.33.
Variant type: single nucleotide variant.
Coding change: c.1142T>G on transcript NM_006231.4 (MANE Select); coding-DNA position 1142, T replaced by G.
Protein change: p.Leu381Arg; replaces leucine 381 with arginine.
Molecular consequence: missense variant.
Genome position (GRCh38, 1-based): chr12:132,675,482, A>C on the plus strand (T>G on the coding strand, the complement: POLE is on the minus strand). VCF-style: chr12-132675482-A-C. GRCh37 (hg19) VCF-style: chr12-133252068-A-C.
Other names: short protein forms L381R.
Identifiers: ClinVar variation 3699145 (VCV003699145.2).